The following is an entry in ClinVar:

ClinVar aggregate classification (germline): Likely benign. Review status: criteria provided, multiple submitters, no conflicts (2 of 4 stars). 2 submissions from 2 submitters: Likely benign (2). Last evaluated 2018-01-13.

Conditions:
Retinitis pigmentosa (RP). Identifiers: Orphanet 791, MedGen C0035334, MeSH D012174, MONDO:0019200, OMIM 268000. Inheritance: Autosomal dominant, autosomal recessive and X linked inheritance.

Allele frequency attached by ClinVar (database versions not stated): gnomAD 0.00753 and 0.00783; TOPMed 0.00879; 1000 Genomes Project 30x 0.00999; 1000 Genomes Project 0.01018.
gnomAD v4.1: 1,638 of 563,558 alleles (0.29%); highest among the groups gnomAD compares: African/African-American, 2.6%; 19 homozygotes.

Submissions (2):

Illumina Laboratory Services, Illumina
Classification: Likely benign for Retinitis pigmentosa. Last evaluated: 2018-01-13. Review status: criteria provided, single submitter. Criteria: ICSL Variant Classification Criteria 13 December 2019. Collection method: clinical testing. Allele origin: germline.
Comment: This variant was observed in the ICSL laboratory as part of a predisposition screen in an ostensibly healthy population. It had not been previously curated by ICSL or reported in the Human Gene Mutation Database (HGMD: prior to June 1st, 2018), and was therefore a candidate for classification through an automated scoring system. Utilizing variant allele frequency, disease prevalence and penetrance estimates, and inheritance mode, an automated score was calculated to assess if this variant is too frequent to cause the disease. Based on the score and internal cut-off values, a variant classified as likely benign is not then subjected to further curation. The score for this variant resulted in a classification of likely benign for this disease.

Breakthrough Genomics
Classification: Likely benign. Review status: criteria provided, single submitter. Criteria: ACMG Guidelines, 2015. Collection method: not provided. Allele origin: germline. Inheritance: Unknown mechanism. Affected: yes.

NM_000440.3(PDE6A):c.*169T>C

Gene: PDE6A (phosphodiesterase 6A; minus strand). Cytogenetic location: 5q32.
Variant type: single nucleotide variant.
Coding change: c.*169T>C on transcript NM_000440.3 (MANE Select); 169 bases downstream of the stop codon, T replaced by C.
Molecular consequence: 3 prime UTR variant.
Genome position (GRCh38, 1-based): chr5:149,860,726, A>G on the plus strand (T>C on the coding strand, the complement: PDE6A is on the minus strand). VCF-style: chr5-149860726-A-G. GRCh37 (hg19) VCF-style: chr5-149240289-A-G.
Identifiers: ClinVar variation 907804 (VCV000907804.5), dbSNP rs150003610, ClinGen allele CA129086699.